The following is an entry in ClinVar:

NM_000535.7(PMS2):c.1520G>C (p.Ser507Thr)

Gene: PMS2 (PMS1 homolog 2, mismatch repair system component; minus strand). Cytogenetic location: 7p22.1.
Variant type: single nucleotide variant.
Coding change: c.1520G>C on transcript NM_000535.7 (MANE Select); coding-DNA position 1520, G replaced by C.
Protein change: p.Ser507Thr; replaces serine 507 with threonine.
Molecular consequence: missense variant. On other transcripts: non-coding transcript variant (1), intron variant (1).
Genome position (GRCh38, 1-based): chr7:5,987,245, C>G on the plus strand (G>C on the coding strand, the complement: PMS2 is on the minus strand). VCF-style: chr7-5987245-C-G. GRCh37 (hg19) VCF-style: chr7-6026876-C-G.
Other names: c.1115G>C, p.Ser372Thr (NM_001018040.1, NM_001322003.2, NM_001322004.2 and 17 more transcripts); c.1364G>C, p.Ser455Thr (NM_001322006.2, NM_001406870.1); c.1202G>C, p.Ser401Thr (NM_001322007.2, NM_001322008.2, NM_001406883.1 and 2 more transcripts); c.1211G>C, p.Ser404Thr (NM_001406879.1, NM_001406880.1, NM_001406881.1 and 5 more transcripts); c.1196G>C, p.Ser399Thr (NM_001406884.1); c.1184G>C, p.Ser395Thr (NM_001406885.1); c.1154G>C, p.Ser385Thr (NM_001406886.1); c.1055G>C, p.Ser352Thr (NM_001406900.1); and 13 more; short protein forms S196T, S316T, S401T, S404T, S320T, S336T, S352T, S395T.
Identifiers: ClinVar variation 2711175 (VCV002711175.3), dbSNP rs766256390, ClinGen allele CA366741691.

ClinVar aggregate classification (germline): Uncertain significance (1 of 4 stars; one submission).

Conditions:
Hereditary nonpolyposis colorectal neoplasms. Identifiers: MedGen C0009405, MeSH D003123.

Submission:

Labcorp Genetics (formerly Invitae), Labcorp
Classification: Uncertain significance for Hereditary nonpolyposis colorectal neoplasms. Last evaluated: 2024-01-24. Review status: criteria provided, single submitter. Criteria: Invitae Variant Classification Sherloc (09022015). Collection method: clinical testing. Allele origin: germline.
Comment: This sequence change replaces serine, which is neutral and polar, with threonine, which is neutral and polar, at codon 507 of the PMS2 protein (p.Ser507Thr). This variant is not present in population databases (gnomAD no frequency). This variant has not been reported in the literature in individuals affected with PMS2-related conditions. Advanced modeling of protein sequence and biophysical properties (such as structural, functional, and spatial information, amino acid conservation, physicochemical variation, residue mobility, and thermodynamic stability) performed at Invitae indicates that this missense variant is not expected to disrupt PMS2 protein function with a negative predictive value of 80%. In summary, the available evidence is currently insufficient to determine the role of this variant in disease. Therefore, it has been classified as a Variant of Uncertain Significance.